The following is an entry in ClinVar:

ClinVar aggregate classification (germline): Likely benign. Review status: criteria provided, multiple submitters, no conflicts (2 of 4 stars). 2 submissions from 2 submitters: Likely benign (2). Last evaluated 2026-07-30.

Conditions:
Developmental and epileptic encephalopathy, 42 (DEE42A). Also called: Epileptic encephalopathy, early infantile, 42; DEVELOPMENTAL AND EPILEPTIC ENCEPHALOPATHY 42A; EPILEPTIC ENCEPHALOPATHY, EARLY INFANTILE, 42A. Identifiers: MedGen C4310716, MONDO:0014917, OMIM 617106.
Episodic ataxia type 2 (EA2). Also called: ATAXIA, EPISODIC, WITH NYSTAGMUS; ATAXIA, FAMILIAL PAROXYSMAL; CEREBELLAR ATAXIA, PAROXYSMAL, ACETAZOLAMIDE-RESPONSIVE; CEREBELLOPATHY, HEREDITARY PAROXYSMAL; EPISODIC ATAXIA, NYSTAGMUS-ASSOCIATED; ACETAZOLAMIDE-RESPONSIVE HEREDITARY PAROXYSMAL CEREBELLAR ATAXIA. Identifiers: Orphanet 97, MedGen C1720416, MONDO:0007163, OMIM 108500.
CACNA1A-related disorder. Also called: CACNA1A-related condition.

Allele frequency attached by ClinVar (database versions not stated): gnomAD 0.00001 and 0.00002; TOPMed 0.00002; gnomAD exomes 0.00006; ExAC 0.00009; 1000 Genomes Project 30x 0.00031; 1000 Genomes Project 0.00040.
gnomAD v4.1: 15 of 1,611,350 alleles (0.00093%); highest among the groups gnomAD compares: East Asian, 0.027%; no homozygotes.

Submissions (2):

PreventionGenetics, part of Exact Sciences
Classification: Likely benign for CACNA1A-related condition. Last evaluated: 2026-07-30. Review status: criteria provided, single submitter. Criteria: ACMG Guidelines, 2015. Collection method: clinical testing. Allele origin: germline.
Comment: This variant is classified as likely benign based on ACMG/AMP sequence variant interpretation guidelines (Richards et al. 2015 PMID: 25741868, with internal and published modifications).

Labcorp Genetics (formerly Invitae), Labcorp
Classification: Likely benign for Developmental and epileptic encephalopathy, 42; Episodic ataxia type 2. Last evaluated: 2025-10-13. Review status: criteria provided, single submitter. Criteria: Invitae Variant Classification Sherloc (09022015). Collection method: clinical testing. Allele origin: germline.

NM_001127222.2(CACNA1A):c.4256A>G (p.Lys1419Arg)

Gene: CACNA1A (calcium voltage-gated channel subunit alpha1 A; minus strand). Cytogenetic location: 19p13.13.
Variant type: single nucleotide variant.
Coding change: c.4256A>G on transcript NM_001127222.2 (MANE Select); coding-DNA position 4256, A replaced by G.
Protein change: p.Lys1419Arg; replaces lysine 1419 with arginine.
Molecular consequence: missense variant.
Genome position (GRCh38, 1-based): chr19:13,259,696, T>C on the plus strand (A>G on the coding strand, the complement: CACNA1A is on the minus strand). VCF-style: chr19-13259696-T-C. GRCh37 (hg19) VCF-style: chr19-13370510-T-C.
Other names: c.4268A>G, p.Lys1423Arg (NM_000068.4, NM_023035.3); c.4259A>G, p.Lys1420Arg (NM_001127221.2, NM_001174080.2); c.4256A>G (NM_001127222.1); short protein forms K1423R, K1419R, K1420R.
Identifiers: ClinVar variation 937230 (VCV000937230.10), dbSNP rs574194354, ClinGen allele CA9240042.